The following is an entry in ClinVar:

NM_004667.6(HERC2):c.4648A>G (p.Ile1550Val)

Gene: HERC2 (HECT and RLD domain containing E3 ubiquitin protein ligase 2; minus strand). Cytogenetic location: 15q13.1.
Variant type: single nucleotide variant.
Coding change: c.4648A>G on transcript NM_004667.6 (MANE Select); coding-DNA position 4648, A replaced by G.
Protein change: p.Ile1550Val; replaces isoleucine 1550 with valine.
Molecular consequence: missense variant.
Genome position (GRCh38, 1-based): chr15:28,233,173, T>C on the plus strand (A>G on the coding strand, the complement: HERC2 is on the minus strand). VCF-style: chr15-28233173-T-C. GRCh37 (hg19) VCF-style: chr15-28478319-T-C.
Other names: short protein forms I1550V.
Identifiers: ClinVar variation 1315803 (VCV001315803.4), dbSNP rs780426725, ClinGen allele CA7442592.

ClinVar aggregate classification (germline): Uncertain significance (1 of 4 stars; one submission).

Allele frequency attached by ClinVar (database versions not stated): gnomAD 0.00001; gnomAD exomes 0.00001; ExAC 0.00001.
gnomAD v4.1: 5 of 1,611,708 alleles (0.00031%); highest among the groups gnomAD compares: African/African-American, 0.0013%; no homozygotes.

Submission:

GeneDx
Classification: Uncertain significance. Last evaluated: 2025-09-24. Review status: criteria provided, single submitter. Criteria: GeneDx Variant Classification Process June 2021. Collection method: clinical testing. Allele origin: germline. Affected: yes.
Comment: Not observed at significant frequency in large population cohorts (gnomAD); In silico analysis supports a deleterious effect on splicing; In silico analysis suggests that this missense variant does not alter protein structure/function; Has not been previously published as pathogenic or benign to our knowledge